The following is an entry in ClinVar:

NM_022489.4(INF2):c.3040+11C>T

Gene: INF2 (inverted formin 2; plus strand). Cytogenetic location: 14q32.33.
Variant type: single nucleotide variant.
Coding change: c.3040+11C>T on transcript NM_022489.4 (MANE Select); 11 bases into the intron after coding-DNA position 3040, C replaced by T.
Molecular consequence: intron variant.
Genome position (GRCh38, 1-based): chr14:104,713,617, C>T. VCF-style: chr14-104713617-C-T. GRCh37 (hg19) VCF-style: chr14-105179954-C-T.
Other names: c.3040+11C>T (NM_001031714.4).
Identifiers: ClinVar variation 511223 (VCV000511223.10), dbSNP rs374390500, ClinGen allele CA7373153.

ClinVar aggregate classification (germline): Benign/Likely benign. Review status: criteria provided, multiple submitters, no conflicts (2 of 4 stars). 4 submissions from 4 submitters: Benign (1); Likely benign (3). Last evaluated 2026-03-11.

Conditions:
Focal segmental glomerulosclerosis 5 (FSGS5). Identifiers: Orphanet 656, MedGen C2750475, MONDO:0013191, OMIM 613237.
Charcot-Marie-Tooth disease dominant intermediate E. Also called: CHARCOT-MARIE-TOOTH NEUROPATHY WITH FOCAL SEGMENTAL GLOMERULONEPHRITIS. Identifiers: Orphanet 93114, MedGen C4302667, MONDO:0013758, OMIM 614455.

Allele frequency attached by ClinVar (database versions not stated): ExAC 0.00005; gnomAD exomes 0.00006; ESP Exome Variant Server 0.00008; gnomAD 0.00010 and 0.00011; TOPMed 0.00019.
gnomAD v4.1: 63 of 1,610,828 alleles (0.0039%); highest among the groups gnomAD compares: Middle Eastern, 0.099%; no homozygotes.

Submissions (4):

Women's Health and Genetics/Laboratory Corporation of America, LabCorp
Classification: Benign. Last evaluated: 2026-03-11. Review status: criteria provided, single submitter. Criteria: LabCorp Variant Classification Summary - May 2015. Collection method: clinical testing. Allele origin: germline.
Comment: Variant summary: INF2 c.3040+11C>T alters a nucleotide located at a position not widely known to affect splicing. Consensus agreement among computation tools predict no significant impact on normal splicing. However, these predictions have yet to be confirmed by functional studies. The variant allele was found at a frequency of 5.7e-05 in 243856 control chromosomes. The observed variant frequency exceeds the estimated maximal expected allele frequency for disease-causing variants in INF2. To our knowledge, no occurrence of c.3040+11C>T in individuals affected with INF2-related conditions and no experimental evidence demonstrating its impact on protein function have been reported. ClinVar contains an entry for this variant (Variation ID: 511223). Based on the evidence outlined above, the variant was classified as benign.

Labcorp Genetics (formerly Invitae), Labcorp
Classification: Likely benign for Charcot-Marie-Tooth disease dominant intermediate E; Focal segmental glomerulosclerosis 5. Last evaluated: 2025-06-12. Review status: criteria provided, single submitter. Criteria: Invitae Variant Classification Sherloc (09022015). Collection method: clinical testing. Allele origin: germline.

Fulgent Genetics
Classification: Likely benign for Focal segmental glomerulosclerosis 5; Charcot-Marie-Tooth disease dominant intermediate E. Last evaluated: 2022-02-21. Review status: criteria provided, single submitter. Criteria: ACMG Guidelines, 2015. Collection method: clinical testing. Allele origin: unknown.

GeneDx
Classification: Likely benign. Last evaluated: 2017-08-01. Review status: criteria provided, single submitter. Criteria: GeneDx Variant Classification (06012015). Collection method: clinical testing. Allele origin: germline. Affected: yes.
Comment: This variant is considered likely benign or benign based on one or more of the following criteria: it is a conservative change, it occurs at a poorly conserved position in the protein, it is predicted to be benign by multiple in silico algorithms, and/or has population frequency not consistent with disease.